The following is an entry in ClinVar:

ClinVar aggregate classification (germline): Pathogenic (1 of 4 stars; one submission).

Submission:

Labcorp Genetics (formerly Invitae), Labcorp
Classification: Pathogenic. Last evaluated: 2022-06-10. Review status: criteria provided, single submitter. Criteria: Invitae Variant Classification Sherloc (09022015). Collection method: clinical testing. Allele origin: germline.
Comment: For these reasons, this variant has been classified as Pathogenic. This variant has not been reported in the literature in individuals affected with BCS1L-related conditions. This variant is not present in population databases (gnomAD no frequency). This sequence change creates a premature translational stop signal (p.Arg73Valfs*43) in the BCS1L gene. It is expected to result in an absent or disrupted protein product. Loss-of-function variants in BCS1L are known to be pathogenic (PMID: 12215968, 17314340, 19162478, 19508421, 22277166, 25895478).

Literature cited by the submitters: PubMed 12215968; PubMed 17314340; PubMed 19162478; PubMed 19508421; PubMed 22277166; PubMed 25895478.

NM_001079866.2(BCS1L):c.217del (p.Arg73fs)

Gene: BCS1L (BCS1 ubiquinol-cytochrome c reductase complex chaperone; plus strand). Cytogenetic location: 2q35.
Variant type: Deletion.
Coding change: c.217del on transcript NM_001079866.2 (MANE Select); coding-DNA position 217, one base deleted (C; older notation c.217delC).
Protein change: p.Arg73fs; shifts the reading frame from arginine 73.
Molecular consequence: frameshift variant. On other transcripts: 5 prime UTR variant (5), non-coding transcript variant (1), intron variant (3).
Genome position (GRCh38, 1-based): chr2:218,661,204, C deleted; the last of 3 consecutive C bases (chr2:218,661,202-218,661,204); deleting any one gives the same sequence. VCF-style (leftmost placement, unchanged base first): chr2-218661201-AC-A. GRCh37 (hg19) VCF-style: chr2-219525924-AC-A.
Other names: c.217del, p.Arg73fs (NM_001257342.2, NM_001257343.2, NM_001257344.2 and 10 more transcripts); c.-260del (NM_001371453.1, NM_001371454.1, NM_001371455.1 and 2 more transcripts); c.-40-202del (NM_001371451.1, NM_001318836.2); c.-41-555del (NM_001371452.1); short protein forms R73fs.
Identifiers: ClinVar variation 2004262 (VCV002004262.4), dbSNP rs2469867274, ClinGen allele CA2580065700.